The following is an entry in ClinVar:

ClinVar aggregate classification (germline): Conflicting classifications of pathogenicity. Review status: criteria provided, conflicting classifications (1 of 4 stars). 3 submissions from 3 submitters: Uncertain significance (1); Likely benign (1). 1 of the submissions does not count toward it. Last evaluated 2022-08-23.

Conditions:
COL6A3-related disorder. Also called: COL6A3-related condition; COL6A3-related disorders.
Bethlem myopathy 1A. Also called: Bethlem myopathy 1; MYOPATHY, BENIGN CONGENITAL, WITH CONTRACTURES; Bethlem Muscular Dystrophy. Identifiers: Orphanet 610, MedGen CN029274, MONDO:0024530, OMIM 158810.

Allele frequency attached by ClinVar (database versions not stated): TOPMed 0.00001.
gnomAD v4.1: 11 of 1,614,194 alleles (0.00068%); highest among the groups gnomAD compares: African/African-American, 0.0013%; no homozygotes.

Submissions (3):

Labcorp Genetics (formerly Invitae), Labcorp
Classification: Likely benign for Bethlem myopathy 1A. Last evaluated: 2022-08-23. Review status: criteria provided, single submitter. Criteria: Invitae Variant Classification Sherloc (09022015). Collection method: clinical testing. Allele origin: germline.

Eurofins Ntd Llc (ga)
Classification: Uncertain significance. Last evaluated: 2015-08-17. Review status: criteria provided, single submitter. Criteria: EGL Classification Definitions 2015. Collection method: clinical testing. Allele origin: germline. Observed: 1 variant allele, 1 heterozygote.

PreventionGenetics, part of Exact Sciences
Classification: Uncertain significance for COL6A3-related condition. Last evaluated: 2024-06-24. Review status: no assertion criteria provided. Collection method: clinical testing. Allele origin: germline. Not counted in ClinVar's aggregate classification.
Comment: The COL6A3 c.11A>T variant is predicted to result in the amino acid substitution p.His4Leu. To our knowledge, this variant has not been reported in the literature. This variant is reported in 0.0062% of alleles in individuals of African descent in gnomAD. At this time, the clinical significance of this variant is uncertain due to the absence of conclusive functional and genetic evidence.

NM_004369.4(COL6A3):c.11A>T (p.His4Leu)

Gene: COL6A3 (collagen type VI alpha 3 chain; minus strand). Cytogenetic location: 2q37.3.
Variant type: single nucleotide variant.
Coding change: c.11A>T on transcript NM_004369.4 (MANE Select); coding-DNA position 11, A replaced by T.
Protein change: p.His4Leu; replaces histidine 4 with leucine.
Molecular consequence: missense variant.
Genome position (GRCh38, 1-based): chr2:237,396,807, T>A on the plus strand (A>T on the coding strand, the complement: COL6A3 is on the minus strand). VCF-style: chr2-237396807-T-A. GRCh37 (hg19) VCF-style: chr2-238305450-T-A.
Other names: c.11A>T (NM_004369.3); c.11A>T, p.His4Leu (NM_057164.5, NM_057165.5, NM_057166.5 and 1 more transcripts); short protein forms H4L.
Identifiers: ClinVar variation 282448 (VCV000282448.11), dbSNP rs777465480, ClinGen allele CA10604184.
Genomic context (GRCh38, chr2:237,396,807, plus strand): 5'-TGAGTTGTAGGAAAGCCTGAGAGAAAGAGGCAAAAGACGGCCACTAAGGGCAAGTGCCGA[T>A]GTTTCCTCATTTTGAATTTGTCTAAGCACCAAATATGAACCTAAAAGAGAAAACAGGGCA-3'
Protein context (NP_004360.2, residues 1-14): MRK[His4Leu]RHLPLVAVFC